The following is an entry in ClinVar:

NM_001009944.3(PKD1):c.3624C>G (p.Val1208=)

Gene: PKD1 (polycystin 1, transient receptor potential channel interacting; minus strand). Cytogenetic location: 16p13.3.
Variant type: single nucleotide variant.
Coding change: c.3624C>G on transcript NM_001009944.3 (MANE Select); coding-DNA position 3624, C replaced by G.
Protein change: p.Val1208=; no amino-acid change (valine 1208 retained).
Molecular consequence: synonymous variant.
Genome position (GRCh38, 1-based): chr16:2,111,543, G>C on the plus strand (C>G on the coding strand, the complement: PKD1 is on the minus strand). VCF-style: chr16-2111543-G-C. GRCh37 (hg19) VCF-style: chr16-2161544-G-C.
Other names: c.3624C>G, p.Val1208= (NM_000296.4).
Identifiers: ClinVar variation 4994393 (VCV004994393.1).

ClinVar aggregate classification (germline): Likely benign (1 of 4 stars; one submission).

Conditions:
PKD1-related disorder. Also called: PKD1-related condition.

Submission:

PreventionGenetics, part of Exact Sciences
Classification: Likely benign for PKD1-related condition. Last evaluated: 2026-06-11. Review status: criteria provided, single submitter. Criteria: ACMG Guidelines, 2015. Collection method: clinical testing. Allele origin: germline.
Comment: This variant is classified as likely benign based on ACMG/AMP sequence variant interpretation guidelines (Richards et al. 2015 PMID: 25741868, with internal and published modifications).